The following is an entry in ClinVar:

NM_014491.4(FOXP2):c.598-4C>A

Gene: FOXP2 (forkhead box P2; plus strand). Cytogenetic location: 7q31.1.
Variant type: single nucleotide variant.
Coding change: c.598-4C>A on transcript NM_014491.4 (MANE Select); 4 bases into the intron before coding-DNA position 598, C replaced by A.
Molecular consequence: intron variant.
Genome position (GRCh38, 1-based): chr7:114,631,524, C>A. VCF-style: chr7-114631524-C-A. GRCh37 (hg19) VCF-style: chr7-114271579-C-A.
Other names: c.673-4C>A (NM_148898.4, NM_001172767.2); c.649-4C>A (NM_148900.4); c.598-7C>A (NM_001172766.3); c.598-4C>A (NM_148899.3).
Identifiers: ClinVar variation 511019 (VCV000511019.1), dbSNP rs1003261210, ClinGen allele CA164860428.

ClinVar aggregate classification (germline): Likely benign (1 of 4 stars; one submission).

Allele frequency attached by ClinVar (database versions not stated): gnomAD 0.00001; TOPMed 0.00001 and 0.00002.
gnomAD v4.1: 2 of 1,456,460 alleles (0.00014%); highest among the groups gnomAD compares: African/African-American, 0.0028%; no homozygotes.

Submission:

GeneDx
Classification: Likely benign. Last evaluated: 2017-07-31. Review status: criteria provided, single submitter. Criteria: GeneDx Variant Classification (06012015). Collection method: clinical testing. Allele origin: germline. Affected: yes.
Comment: This variant is considered likely benign or benign based on one or more of the following criteria: it is a conservative change, it occurs at a poorly conserved position in the protein, it is predicted to be benign by multiple in silico algorithms, and/or has population frequency not consistent with disease.